The following is an entry in ClinVar:

ClinVar aggregate classification (germline): Likely pathogenic (1 of 4 stars; one submission).

Conditions:
Deficiency of hydroxymethylglutaryl-CoA lyase (HMGCLD). Also called: HMGCL DEFICIENCY; HYDROXYMETHYLGLUTARIC ACIDURIA; HMG-CoA LYASE DEFICIENCY; Defect in leucine metabolism; 3-hydroxy-3-methylglutaric aciduria. Identifiers: Orphanet 20, MedGen C1533587, MONDO:0009520, OMIM 246450.

Submission:

Women's Health and Genetics/Laboratory Corporation of America, LabCorp
Classification: Likely pathogenic for Deficiency of hydroxymethylglutaryl-CoA lyase. Last evaluated: 2023-01-06. Review status: criteria provided, single submitter. Criteria: LabCorp Variant Classification Summary - May 2015. Collection method: clinical testing. Allele origin: germline.
Comment: Variant summary: The variant identified by MLPA or other technology involves the deletion of exon 2 in the HMGCL gene. A presumed nomenclature of c.(60+1_61-1)_(144+1_145-1)del has been designated for the purposes of this classification. Although exact breakpoints of this CNV are not known, it is expected to result in a large in-frame deletion change in the HMGCL gene, a known mechanism of disease. The variant was absent in 20278 control chromosomes (gnomAD, Structural Variants dataset). Skipping of exon 2 at the RNA level has been reported in the literature in an individual affected with HMG-CoA Lyase Deficiency (Grunert_2017). No clinical diagnostic laboratories have submitted clinical-significance assessments for this variant to ClinVar after 2014. Based on the evidence outlined above, the variant was classified as likely pathogenic.

Literature cited by the submitters: PubMed 28583327.

NC_000001.10:g.(24144074_24146999)_(24147084_24151845)del

Gene: HMGCL (3-hydroxy-3-methylglutaryl-CoA lyase; minus strand). Cytogenetic location: 1p36.11.
Variant type: Deletion.
Identifiers: ClinVar variation 2429136 (VCV002429136.3).